The following is an entry in ClinVar:

NM_006766.5(KAT6A):c.336G>C (p.Glu112Asp)

Gene: KAT6A (lysine acetyltransferase 6A; minus strand). Cytogenetic location: 8p11.21.
Variant type: single nucleotide variant.
Coding change: c.336G>C on transcript NM_006766.5 (MANE Select); coding-DNA position 336, G replaced by C.
Protein change: p.Glu112Asp; replaces glutamic acid 112 with aspartic acid.
Molecular consequence: missense variant.
Genome position (GRCh38, 1-based): chr8:42,048,642, C>G on the plus strand (G>C on the coding strand, the complement: KAT6A is on the minus strand). VCF-style: chr8-42048642-C-G. GRCh37 (hg19) VCF-style: chr8-41906160-C-G.
Other names: c.336G>C (NM_006766.4); c.336G>C, p.Glu112Asp (NM_001305878.2); short protein forms E112D.
Identifiers: ClinVar variation 1204805 (VCV001204805.36), dbSNP rs138399992, ClinGen allele CA4730450.

ClinVar aggregate classification (germline): Benign/Likely benign. Review status: criteria provided, multiple submitters, no conflicts (2 of 4 stars). 4 submissions from 4 submitters: Benign (1); Likely benign (2). 1 of the submissions does not count toward it. Last evaluated 2026-01-19.

Conditions:
KAT6A-related disorder. Also called: KAT6A-related condition.

Allele frequency attached by ClinVar (database versions not stated): TOPMed 0.00018; ESP Exome Variant Server 0.00023; gnomAD exomes 0.00059 and 0.00111; ExAC 0.00090; gnomAD 0.00112 and 0.00121.
gnomAD v4.1: 1,018 of 1,614,098 alleles (0.063%); highest among the groups gnomAD compares: Non-Finnish European, 0.024%; 8 homozygotes.

Submissions (4):

Labcorp Genetics (formerly Invitae), Labcorp
Classification: Benign. Last evaluated: 2026-01-19. Review status: criteria provided, single submitter. Criteria: Invitae Variant Classification Sherloc (09022015). Collection method: clinical testing. Allele origin: germline.

CeGaT Center for Human Genetics Tuebingen
Classification: Likely benign. Last evaluated: 2024-02-01. Review status: criteria provided, single submitter. Criteria: CeGaT Center For Human Genetics Tuebingen Variant Classification Criteria Version 2. Collection method: clinical testing. Allele origin: germline. Affected: yes. Observed: 2 variant alleles.
Comment: KAT6A: BS1

GeneDx
Classification: Likely benign. Last evaluated: 2019-09-02. Review status: criteria provided, single submitter. Criteria: GeneDx Variant Classification Process June 2021. Collection method: clinical testing. Allele origin: germline. Affected: yes.

PreventionGenetics, part of Exact Sciences
Classification: Benign for KAT6A-related condition. Last evaluated: 2024-06-14. Review status: no assertion criteria provided. Collection method: clinical testing. Allele origin: germline. Not counted in ClinVar's aggregate classification.
Comment: This variant is classified as benign based on ACMG/AMP sequence variant interpretation guidelines (Richards et al. 2015 PMID: 25741868, with internal and published modifications).